The following is an entry in ClinVar:

ClinVar aggregate classification (germline): Uncertain significance (1 of 4 stars; one submission).

Conditions:
Autosomal dominant non-syndromic intellectual disability. Identifiers: Orphanet 178469, MedGen C5680502, MONDO:0015802.

Submission:

Department of Human Genetics, University Hospital Bern, Inselspital
Classification: Uncertain significance for Autosomal dominant non-syndromic intellectual disability. Last evaluated: 2026-05-03. Review status: criteria provided, single submitter. Criteria: ACMG Guidelines, 2015. Collection method: clinical testing. Allele origin: inherited. Affected: yes.
Comment: The variant affects a canonical splice site most likely leading to the loss of a splice acceptor site and in-frame skipping of exon 18. In summary, criteria PVS1, PM2_Supporting and PP1_Supporting were used.

Literature cited by the submitters: PubMed 42509346.

NM_001256627.2(BRSK2):c.1850-1G>C

Gene: BRSK2 (BR serine/threonine kinase 2; plus strand). Cytogenetic location: 11p15.5.
Variant type: single nucleotide variant.
Coding change: c.1850-1G>C on transcript NM_001256627.2 (MANE Select); the canonical splice acceptor site of the intron before coding-DNA position 1850, G replaced by C.
Molecular consequence: splice acceptor variant.
Genome position (GRCh38, 1-based): chr11:1,456,597, G>C. VCF-style: chr11-1456597-G-C. GRCh37 (hg19) VCF-style: chr11-1477827-G-C.
Other names: c.2282-1G>C (NM_001440665.1); c.1916-1G>C (NM_001440668.1, NM_001440670.1); c.2216-1G>C (NM_001440666.1); c.1850-1G>C (NM_001256629.2, NM_003957.4); c.1670-1G>C (NM_001440674.1, NM_001440669.1, NM_001440673.1 and 3 more transcripts); c.1736-1G>C (NM_001440671.1, NM_001440672.1); c.1988-1G>C (NM_001256630.1, NM_001440667.1).
Identifiers: ClinVar variation 4849546 (VCV004849546.1).